The following is an entry in ClinVar:

NM_021971.4(GMPPB):c.923T>G (p.Val308Gly)

Gene: GMPPB (GDP-mannose pyrophosphorylase B; minus strand). Cytogenetic location: 3p21.31.
Variant type: single nucleotide variant.
Coding change: c.923T>G on transcript NM_021971.4 (MANE Select); coding-DNA position 923, T replaced by G.
Protein change: p.Val308Gly; replaces valine 308 with glycine.
Molecular consequence: missense variant.
Genome position (GRCh38, 1-based): chr3:49,721,993, A>C on the plus strand (T>G on the coding strand, the complement: GMPPB is on the minus strand). VCF-style: chr3-49721993-A-C. GRCh37 (hg19) VCF-style: chr3-49759426-A-C.
Other names: c.923T>G, p.Val308Gly (NM_013334.4); short protein forms V308G.
Identifiers: ClinVar variation 1417485 (VCV001417485.5), dbSNP rs750488885, ClinGen allele CA2405409.

ClinVar aggregate classification (germline): Uncertain significance (1 of 4 stars; one submission).

Conditions:
Muscular dystrophy-dystroglycanopathy (congenital with impaired intellectual development), type B, 14. Also called: Congenital muscular dystrophy-dystroglycanopathy with mental retardation, type B14; Muscular dystrophy-dystroglycanopathy (congenital with intellectual disability), type B14; MUSCULAR DYSTROPHY, CONGENITAL, GMPPB-RELATED. Identifiers: MedGen C3809221, MONDO:0014141, OMIM 615351.
Autosomal recessive limb-girdle muscular dystrophy type 2T. Also called: Limb-girdle muscular dystrophy-dystroglycanopathy, type C14; MUSCULAR DYSTROPHY-DYSTROGLYCANOPATHY, LIMB-GIRDLE, GMPPB-RELATED; MUSCULAR DYSTROPHY, LIMB-GIRDLE, TYPE 2T; Muscular dystrophy-dystroglycanopathy (limb-girdle), type c, 14. Identifiers: Orphanet 363623, MedGen C4518000, MONDO:0014142, OMIM 615352.
Muscular dystrophy-dystroglycanopathy (congenital with brain and eye anomalies), type A14. Also called: Congenital muscular dystrophy-dystroglycanopathy with brain and eye anomalies, type A14; WALKER-WARBURG SYNDROME OR MUSCLE-EYE-BRAIN DISEASE, GMPPB-RELATED; Muscular dystrophy-dystroglycanopathy (congenital with brain and eye anomalies), type a, 14; Congenital Muscular Dystrophy-Dystroglycanopathy with Brain and Eye Anomalies Type A 14. Identifiers: Orphanet 588, MedGen C3809216, MONDO:0014140, OMIM 615350.

Allele frequency attached by ClinVar (database versions not stated): ExAC 0.00001; gnomAD exomes below 0.00001 and 0.00002.
gnomAD v4.1: 9 of 1,388,420 alleles (0.00065%); highest among the groups gnomAD compares: South Asian, 0.0091%; no homozygotes.

Submission:

Labcorp Genetics (formerly Invitae), Labcorp
Classification: Uncertain significance for Autosomal recessive limb-girdle muscular dystrophy type 2T; Muscular dystrophy-dystroglycanopathy (congenital with brain and eye anomalies), type A14; Muscular dystrophy-dystroglycanopathy (congenital with impaired intellectual development), type B, 14. Last evaluated: 2022-08-09. Review status: criteria provided, single submitter. Criteria: Invitae Variant Classification Sherloc (09022015). Collection method: clinical testing. Allele origin: germline.
Comment: In summary, the available evidence is currently insufficient to determine the role of this variant in disease. Therefore, it has been classified as a Variant of Uncertain Significance. Algorithms developed to predict the effect of missense changes on protein structure and function (SIFT, PolyPhen-2, Align-GVGD) all suggest that this variant is likely to be disruptive. ClinVar contains an entry for this variant (Variation ID: 1417485). This variant has not been reported in the literature in individuals affected with GMPPB-related conditions. This variant is present in population databases (rs750488885, gnomAD 0.003%). This sequence change replaces valine, which is neutral and non-polar, with glycine, which is neutral and non-polar, at codon 308 of the GMPPB protein (p.Val308Gly).